The following is an entry in ClinVar:

ClinVar aggregate classification (germline): Likely pathogenic (0 of 4 stars; one submission).

Conditions:
Gaucher disease type I (GD1). Also called: GD 1; Gaucher's disease, type 1; Type 1 Gaucher Disease; ACID BETA-GLUCOSIDASE DEFICIENCY; GAUCHER DISEASE, NONCEREBRAL JUVENILE; GBA DEFICIENCY. Identifiers: Orphanet 355, Orphanet 77259, MedGen C1961835, MONDO:0009265, OMIM 230800.

Submission:

Laboratório Nacional de Células Tronco Embrionárias, Instituto de Biociencias - Universidade de Sao Paulo
Classification: Likely pathogenic for Gaucher disease type I. Last evaluated: 2025-06-24. Review status: no assertion criteria provided. Collection method: research. Allele origin: inherited. Inheritance: Autosomal recessive inheritance. Affected: yes. Observed: 1 variant allele.
Comment: This is the only variant detected at the GBA locus in this allele in compound heterozigosity (in trans) with a previously described variant of Gaucher disease - genotype N409S/E150K. Mutation detected and described in Rozenberg et al., 2006 (doi:10.1016/j.bcmd.2006.09.004). Based on these data and established disease mechanisms for GBA1, we classified it as likely pathogenic.

Literature cited by the submitters: DOI 10.1016/j.bcmd.2006.09.004.

NM_000157.4(GBA1):c.448G>A (p.Glu150Lys)

Genes: GBA1 (glucosylceramidase beta 1; minus strand), LOC106627981 (GBA recombination region; plus strand). Cytogenetic location: 1q22.
Variant type: single nucleotide variant.
Coding change: c.448G>A on transcript NM_000157.4 (MANE Select); coding-DNA position 448, G replaced by A.
Protein change: p.Glu150Lys; replaces glutamic acid 150 with lysine.
Molecular consequence: missense variant. On other transcripts: intron variant (1).
Genome position (GRCh38, 1-based): chr1:155,239,622, C>T on the plus strand (G>A on the coding strand, the complement: GBA1 is on the minus strand). VCF-style: chr1-155239622-C-T. GRCh37 (hg19) VCF-style: chr1-155209413-C-T.
Other names: NP_000148.2:p.(E150K); c.448G>A, p.Glu150Lys (NM_001005741.3, NM_001005742.3); c.187G>A, p.Glu63Lys (NM_001171811.2); c.307+264G>A (NM_001171812.2); short protein forms E150K, E63K.
Identifiers: ClinVar variation 4075433 (VCV004075433.1).